The following is an entry in ClinVar:

NM_020207.7(ERCC6L2):c.1489G>A (p.Ala497Thr)

Gene: ERCC6L2 (ERCC excision repair 6 like 2; plus strand). Cytogenetic location: 9q22.32.
Variant type: single nucleotide variant.
Coding change: c.1489G>A on transcript NM_020207.7 (MANE Select); coding-DNA position 1489, G replaced by A.
Protein change: p.Ala497Thr; replaces alanine 497 with threonine.
Molecular consequence: missense variant. On other transcripts: non-coding transcript variant (1).
Genome position (GRCh38, 1-based): chr9:95,923,335, G>A. VCF-style: chr9-95923335-G-A. GRCh37 (hg19) VCF-style: chr9-98685617-G-A.
Other names: c.1489G>A, p.Ala497Thr (NM_001010895.4, NM_001375291.1, NM_001375292.1 and 2 more transcripts); short protein forms A497T.
Identifiers: ClinVar variation 4019383 (VCV004019383.1).

ClinVar aggregate classification (germline): Uncertain significance (1 of 4 stars; one submission).

Conditions:
Inborn genetic diseases. Identifiers: MedGen C0950123, MeSH D030342.

Submission:

Ambry Genetics
Classification: Uncertain significance for Inborn genetic diseases. Last evaluated: 2025-05-26. Review status: criteria provided, single submitter. Criteria: Ambry Variant Classification Scheme 2023. Collection method: clinical testing. Allele origin: germline.
Comment: The p.A497T variant (also known as c.1489G>A), located in coding exon 9 of the ERCC6L2 gene, results from a G to A substitution at nucleotide position 1489. The alanine at codon 497 is replaced by threonine, an amino acid with similar properties. This amino acid position is conserved. In addition, this alteration is predicted to be tolerated by in silico analysis. Based on the available evidence, the clinical significance of this variant remains unclear.